The following is an entry in ClinVar:

NM_000262.3(NAGA):c.610CTG[3] (p.Leu205_Ala206insLeu)

Gene: NAGA (alpha-N-acetylgalactosaminidase; minus strand). Cytogenetic location: 22q13.2.
Variant type: Microsatellite.
Coding change: c.610CTG[3] on transcript NM_000262.3 (MANE Select); three copies in a row of the 3-base unit CTG starting at c.610; the reference has two copies in a row; one copy, 3 bases duplicated.
Protein change: p.Leu205_Ala206insLeu.
Molecular consequence: inframe insertion.
Genome position (GRCh38, 1-based): chr22:42,065,882-42,065,884, CAG duplicated on the plus strand (CTG on the coding strand, the reverse complement: NAGA is on the minus strand); duplicating any 3 consecutive bases within chr22:42,065,882-42,065,887 gives the same sequence; the position shown is the placement nearest the transcript's 3' end. VCF-style (leftmost placement, unchanged base first): chr22-42065881-C-CCAG. GRCh37 (hg19) VCF-style: chr22-42461885-C-CCAG.
Other names: c.610CTG[3], p.Leu205_Ala206insLeu (NM_001362848.1, NM_001362850.1).
Identifiers: ClinVar variation 5003980 (VCV005003980.1).

ClinVar aggregate classification (germline): Uncertain significance (1 of 4 stars; one submission).

Conditions:
Alpha-N-acetylgalactosaminidase deficiency. Identifiers: Orphanet 3137, MedGen C5848084, MONDO:0017779.

Submission:

Myriad Genetics, Inc.
Classification: Uncertain significance for Alpha-N-acetylgalactosaminidase deficiency. Last evaluated: 2025-11-24. Review status: criteria provided, single submitter. Criteria: Myriad Autosomal Dominant, Autosomal Recessive and X-Linked Classification Criteria (2023). Collection method: clinical testing. Allele origin: unknown.
Comment: NM_000262.2(NAGA):c.613_615dupCTG(L205dup) is an in-frame insertion classified as a variant of uncertain significance in the context of NAGA-related disorders. L205dup has not been observed in cases with relevant disease. Relevant functional assessments of this variant are not available in the literature. L205dup has not been observed in referenced population frequency databases. In summary, there is insufficient evidence to classify NM_000262.2(NAGA):c.613_615dupCTG(L205dup) as pathogenic or benign. Please note: this variant was assessed in the context of healthy population screening.